The following is an entry in ClinVar:

ClinVar aggregate classification (germline): Uncertain significance. Review status: criteria provided, multiple submitters, no conflicts (2 of 4 stars). 2 submissions from 2 submitters: Uncertain significance (2). Last evaluated 2025-03-04.

Conditions:
Hereditary cancer-predisposing syndrome. Also called: Tumor predisposition; Hereditary neoplastic syndrome; Neoplastic Syndromes, Hereditary; Hereditary Cancer Syndrome. Identifiers: Orphanet 140162, MedGen C0027672, MeSH D009386, MONDO:0015356.

Submissions (2):

Center for Genomic Medicine, Rigshospitalet, Copenhagen University Hospital
Classification: Uncertain significance. Last evaluated: 2025-03-04. Review status: criteria provided, single submitter. Criteria: ACMG Guidelines, 2015. Collection method: clinical testing. Allele origin: germline.

Color Diagnostics, LLC DBA Color Health
Classification: Uncertain significance for Hereditary cancer-predisposing syndrome. Last evaluated: 2023-08-30. Review status: criteria provided, single submitter. Criteria: ACMG Guidelines, 2015. Collection method: clinical testing. Allele origin: germline.
Comment: This missense variant replaces alanine with valine at codon 1236 of the APC protein. Computational prediction suggests that this variant may not impact protein structure and function (internally defined REVEL score threshold <= 0.5, PMID: 27666373). To our knowledge, functional studies have not been reported for this variant. This variant has not been reported in individuals affected with APC-related disorders in the literature. This variant has not been identified in the general population by the Genome Aggregation Database (gnomAD). The available evidence is insufficient to determine the role of this variant in disease conclusively. Therefore, this variant is classified as a Variant of Uncertain Significance.

NM_000038.6(APC):c.3707C>T (p.Ala1236Val)

Gene: APC (APC regulator of Wnt signaling pathway; plus strand). Cytogenetic location: 5q22.2.
Variant type: single nucleotide variant.
Coding change: c.3707C>T on transcript NM_000038.6 (MANE Select); coding-DNA position 3707, C replaced by T.
Protein change: p.Ala1236Val; replaces alanine 1236 with valine.
Molecular consequence: missense variant. On other transcripts: non-coding transcript variant (2).
Genome position (GRCh38, 1-based): chr5:112,839,301, C>T. VCF-style: chr5-112839301-C-T. GRCh37 (hg19) VCF-style: chr5-112174998-C-T.
Other names: c.3707C>T, p.Ala1236Val (NM_001127510.3, NM_001354895.2, NM_001407450.1); c.3653C>T, p.Ala1218Val (NM_001127511.3); c.3761C>T, p.Ala1254Val (NM_001354896.2, NM_001407447.1, NM_001407448.1 and 1 more transcripts); c.3737C>T, p.Ala1246Val (NM_001354897.2); c.3632C>T, p.Ala1211Val (NM_001354898.2); c.3623C>T, p.Ala1208Val (NM_001354899.2); c.3584C>T, p.Ala1195Val (NM_001354900.2); c.3530C>T, p.Ala1177Val (NM_001354901.2, NM_001407453.1); and 11 more; short protein forms A1076V, A1107V, A1110V, A1135V, A1145V, A1153V, A1177V, A1195V.
Identifiers: ClinVar variation 2575135 (VCV002575135.6), dbSNP rs2149897424, ClinGen allele CA16029468.